The following is an entry in ClinVar:

ClinVar aggregate classification (germline): Uncertain significance. Review status: criteria provided, multiple submitters, no conflicts (2 of 4 stars). 3 submissions from 3 submitters: Uncertain significance (3). Last evaluated 2025-11-21.

Allele frequency attached by ClinVar (database versions not stated): gnomAD exomes below 0.00001; ExAC 0.00001.
gnomAD v4.1: 2 of 1,610,816 alleles (0.00012%); highest among the groups gnomAD compares: Non-Finnish European, 0.00017%; no homozygotes.

Submissions (3):

Labcorp Genetics (formerly Invitae), Labcorp
Classification: Uncertain significance. Last evaluated: 2025-11-21. Review status: criteria provided, single submitter. Criteria: Invitae Variant Classification Sherloc (09022015). Collection method: clinical testing. Allele origin: germline.
Comment: This sequence change replaces proline, which is neutral and non-polar, with serine, which is neutral and polar, at codon 1096 of the COL2A1 protein (p.Pro1096Ser). This variant is present in population databases (rs761070916, gnomAD 0.0009%). This missense change has been observed in individual(s) with COL2A1-related conditions (PMID: 37079061). ClinVar contains an entry for this variant (Variation ID: 432337). Invitae Evidence Modeling of protein sequence and biophysical properties (such as structural, functional, and spatial information, amino acid conservation, physicochemical variation, residue mobility, and thermodynamic stability) has been performed for this missense variant. However, the output from this modeling did not meet the statistical confidence thresholds required to predict the impact of this variant on COL2A1 protein function. In summary, the available evidence is currently insufficient to determine the role of this variant in disease. Therefore, it has been classified as a Variant of Uncertain Significance.

Blueprint Genetics
Classification: Uncertain significance. Last evaluated: 2023-08-30. Review status: criteria provided, single submitter. Criteria: ACMG Guidelines, 2015. Collection method: clinical testing. Allele origin: germline.

GeneDx
Classification: Uncertain significance. Last evaluated: 2017-06-01. Review status: criteria provided, single submitter. Criteria: GeneDx Variant Classification (06012015). Collection method: clinical testing. Allele origin: germline. Affected: yes.
Comment: The P1096S variant in the COL2A1 gene has not been reported previously as a pathogenic variant, nor as a benign variant, to our knowledge. The P1096S variant is not observed at a significant frequency in large population cohorts (Lek et al., 2016; 1000 Genomes Consortium et al., 2015; Exome Variant Server). The P1096S variant is a non-conservative amino acid substitution, which is likely to impact secondary protein structure as these residues differ in polarity, charge, size and/or other properties. This substitution occurs at a position that is conserved across species. In silico analysis predicts this variant is probably damaging to the protein structure/function. We interpret P1096S as a variant of uncertain significance

Literature cited by the submitters: PubMed 37079061 (cited by Labcorp Genetics (formerly Invitae), Labcorp).

NM_001844.5(COL2A1):c.3286C>T (p.Pro1096Ser)

Gene: COL2A1 (collagen type II alpha 1 chain; minus strand). Cytogenetic location: 12q13.11.
Variant type: single nucleotide variant.
Coding change: c.3286C>T on transcript NM_001844.5 (MANE Select); coding-DNA position 3286, C replaced by T.
Protein change: p.Pro1096Ser; replaces proline 1096 with serine.
Molecular consequence: missense variant.
Genome position (GRCh38, 1-based): chr12:47,977,143, G>A on the plus strand (C>T on the coding strand, the complement: COL2A1 is on the minus strand). VCF-style: chr12-47977143-G-A. GRCh37 (hg19) VCF-style: chr12-48370926-G-A.
Other names: c.3079C>T, p.Pro1027Ser (NM_033150.3); short protein forms P1096S, P1027S.
Identifiers: ClinVar variation 432337 (VCV000432337.8), dbSNP rs761070916, ClinGen allele CA6534801.